The following is an entry in ClinVar:

ClinVar aggregate classification (germline): Pathogenic (1 of 4 stars; one submission).

Submission:

Baylor Genetics
Classification: Pathogenic. Last evaluated: 2018-11-01. Review status: criteria provided, single submitter. Criteria: ACMG CNV Guidelines, 2011. Collection method: clinical testing. Allele origin: germline. Observed: 1 variant allele.

GRCh37/hg19 22q13.31-13.33(chr22:45075720-51181759)

Genes: ACR (acrosin; plus strand), ADM2 (adrenomedullin 2; plus strand), ALG12 (ALG12 alpha-1,6-mannosyltransferase; minus strand), ARHGAP8 (Rho GTPase activating protein 8; plus strand), ARSA (arylsulfatase A; minus strand) and 57 more. Cytogenetic location: 22q13.31-13.33.
Variant type: copy number loss.
Identifiers: ClinVar variation 625738 (VCV000625738.1).